The following is an entry in ClinVar:

ClinVar aggregate classification (germline): Likely benign. Review status: criteria provided, single submitter (1 of 4 stars). 2 submissions from 2 submitters: Likely benign (1). 1 of the submissions does not count toward it. Last evaluated 2025-10-29.

Conditions:
DIS3L2-related disorder. Also called: DIS3L2-related condition.
Perlman syndrome (PRLMNS). Identifiers: Orphanet 2849, MedGen C0796113, MONDO:0009965, OMIM 267000.

Allele frequency attached by ClinVar (database versions not stated): gnomAD exomes 0.00004 and 0.00008; ExAC 0.00010; TOPMed 0.00031; ESP Exome Variant Server 0.00033; gnomAD 0.00038 and 0.00039; 1000 Genomes Project 0.00060; 1000 Genomes Project 30x 0.00062.
gnomAD v4.1: 110 of 1,613,668 alleles (0.0068%); highest among the groups gnomAD compares: African/African-American, 0.14%; no homozygotes.

Submissions (2):

Labcorp Genetics (formerly Invitae), Labcorp
Classification: Likely benign for Perlman syndrome. Last evaluated: 2025-10-29. Review status: criteria provided, single submitter. Criteria: Invitae Variant Classification Sherloc (09022015). Collection method: clinical testing. Allele origin: germline.

PreventionGenetics, part of Exact Sciences
Classification: Likely benign for DIS3L2-related condition. Last evaluated: 2021-04-14. Review status: no assertion criteria provided. Collection method: clinical testing. Allele origin: germline. Not counted in ClinVar's aggregate classification.
Comment: This variant is classified as likely benign based on ACMG/AMP sequence variant interpretation guidelines (Richards et al. 2015 PMID: 25741868, with internal and published modifications).

NM_152383.5(DIS3L2):c.702+4A>G

Gene: DIS3L2 (DIS3 like 3'-5' exoribonuclease 2; plus strand). Cytogenetic location: 2q37.1.
Variant type: single nucleotide variant.
Coding change: c.702+4A>G on transcript NM_152383.5 (MANE Select); 4 bases into the intron after coding-DNA position 702, A replaced by G.
Molecular consequence: intron variant. On other transcripts: missense variant (1), non-coding transcript variant (1).
Genome position (GRCh38, 1-based): chr2:232,130,723, A>G. VCF-style: chr2-232130723-A-G. GRCh37 (hg19) VCF-style: chr2-232995433-A-G.
Other names: c.706A>G, p.Ile236Val (NM_001257282.2); c.702+4A>G (NM_001257281.2); c.706A>G (NM_001257282.1); short protein forms I236V.
Identifiers: ClinVar variation 241984 (VCV000241984.13), dbSNP rs1057445, ClinGen allele CA2163903.